The following is an entry in ClinVar:

ClinVar aggregate classification (germline): Uncertain significance (1 of 4 stars; one submission).

Conditions:
Cardiovascular phenotype. Identifiers: MedGen CN230736.

Submission:

Ambry Genetics
Classification: Uncertain significance for Cardiovascular phenotype. Last evaluated: 2025-12-16. Review status: criteria provided, single submitter. Criteria: Ambry Variant Classification Scheme 2023. Collection method: clinical testing. Allele origin: germline.
Comment: The p.K1182N variant (also known as c.3546G>C), located in coding exon 10 of the AKAP9 gene, results from a G to C substitution at nucleotide position 3546. The lysine at codon 1182 is replaced by asparagine, an amino acid with similar properties. This amino acid position is conserved. In addition, this alteration is predicted to be tolerated by in silico analysis. Based on the available evidence, the clinical significance of this variant remains unclear.

NM_005751.5(AKAP9):c.3546G>C (p.Lys1182Asn)

Gene: AKAP9 (A-kinase anchoring protein 9; plus strand). Cytogenetic location: 7q21.2.
Variant type: single nucleotide variant.
Coding change: c.3546G>C on transcript NM_005751.5 (MANE Select); coding-DNA position 3546, G replaced by C.
Protein change: p.Lys1182Asn; replaces lysine 1182 with asparagine.
Molecular consequence: missense variant.
Genome position (GRCh38, 1-based): chr7:92,014,262, G>C. VCF-style: chr7-92014262-G-C. GRCh37 (hg19) VCF-style: chr7-91643576-G-C.
Other names: c.3546G>C, p.Lys1182Asn (NM_147185.3); short protein forms K1182N.
Identifiers: ClinVar variation 4842373 (VCV004842373.1).